The following is an entry in ClinVar:

ClinVar aggregate classification (germline): Pathogenic (1 of 4 stars; one submission).

Conditions:
Hereditary spastic paraplegia 48. Also called: SPASTIC PARAPLEGIA 48, AUTOSOMAL RECESSIVE; Spastic paraplegia 48. Identifiers: Orphanet 306511, MedGen C3150901, MONDO:0013342, OMIM 613647.

Submission:

Labcorp Genetics (formerly Invitae), Labcorp
Classification: Pathogenic for Hereditary spastic paraplegia 48. Last evaluated: 2024-09-02. Review status: criteria provided, single submitter. Criteria: Invitae Variant Classification Sherloc (09022015). Collection method: clinical testing. Allele origin: germline.
Comment: This sequence change creates a premature translational stop signal (p.Gln70Hisfs*36) in the AP5Z1 gene. It is expected to result in an absent or disrupted protein product. Loss-of-function variants in AP5Z1 are known to be pathogenic (PMID: 20613862, 27606357). This variant is not present in population databases (gnomAD no frequency). This variant has not been reported in the literature in individuals affected with AP5Z1-related conditions. ClinVar contains an entry for this variant (Variation ID: 567257). For these reasons, this variant has been classified as Pathogenic.

Literature cited by the submitters: PubMed 20613862; PubMed 27606357.

NM_014855.3(AP5Z1):c.210_231del (p.Gln70fs)

Gene: AP5Z1 (adaptor related protein complex 5 subunit zeta 1; plus strand). Cytogenetic location: 7p22.1.
Variant type: Deletion.
Coding change: c.210_231del on transcript NM_014855.3 (MANE Select); coding-DNA positions 210 to 231, 22 bases deleted (GGCCACCCTCGGCCTGCCTGCA).
Protein change: p.Gln70fs; shifts the reading frame from glutamine 70.
Molecular consequence: frameshift variant. On other transcripts: non-coding transcript variant (1), intron variant (1).
Genome position (GRCh38, 1-based): chr7:4,781,598-4,781,619, GGCCACCCTCGGCCTGCCTGCA deleted; deleting any 22 consecutive bases within chr7:4,781,593-4,781,619 gives the same sequence; the c. name uses the placement nearest the transcript's 3' end. VCF-style (leftmost placement, unchanged base first): chr7-4781592-GCTGCAGGCCACCCTCGGCCTGC-G. GRCh37 (hg19) VCF-style: chr7-4821223-GCTGCAGGCCACCCTCGGCCTGC-G.
Other names: c.210_231del, p.Gln70fs (LRG_1247t1); c.-103+286_-103+307del (NM_001364858.1); short protein forms Q70fs.
Identifiers: ClinVar variation 567257 (VCV000567257.6), dbSNP rs1562404571, ClinGen allele CA453629730.